The following is an entry in ClinVar:

NM_001999.4(FBN2):c.4864C>A (p.Pro1622Thr)

Gene: FBN2 (fibrillin 2; minus strand). Cytogenetic location: 5q23.3.
Variant type: single nucleotide variant.
Coding change: c.4864C>A on transcript NM_001999.4 (MANE Select); coding-DNA position 4864, C replaced by A.
Protein change: p.Pro1622Thr; replaces proline 1622 with threonine.
Molecular consequence: missense variant.
Genome position (GRCh38, 1-based): chr5:128,312,649, G>T on the plus strand (C>A on the coding strand, the complement: FBN2 is on the minus strand). VCF-style: chr5-128312649-G-T. GRCh37 (hg19) VCF-style: chr5-127648341-G-T.
Other names: short protein forms P1622T.
Identifiers: ClinVar variation 519855 (VCV000519855.11), dbSNP rs750116860, ClinGen allele CA3394848.

ClinVar aggregate classification (germline): Uncertain significance. Review status: criteria provided, multiple submitters, no conflicts (2 of 4 stars). 3 submissions from 3 submitters: Uncertain significance (3). Last evaluated 2023-08-10.

Conditions:
Familial thoracic aortic aneurysm and aortic dissection (TAAD). Also called: Thoracic aortic aneurysms and dissections. Identifiers: Orphanet 91387, MedGen C4707243, MONDO:0019625.
Congenital contractural arachnodactyly (CCA). Also called: BEALS SYNDROME; Beals-Hecht syndrome; Arthrogryposis, distal, type 9. Identifiers: Orphanet 115, MedGen C0220668, MONDO:0007363, OMIM 121050.

Allele frequency attached by ClinVar (database versions not stated): ExAC 0.00001; gnomAD exomes 0.00001; TOPMed 0.00001.
gnomAD v4.1: 7 of 1,613,808 alleles (0.00043%); highest among the groups gnomAD compares: Non-Finnish European, 0.00059%; no homozygotes.

Submissions (3):

Labcorp Genetics (formerly Invitae), Labcorp
Classification: Uncertain significance for Congenital contractural arachnodactyly. Last evaluated: 2023-08-10. Review status: criteria provided, single submitter. Criteria: Invitae Variant Classification Sherloc (09022015). Collection method: clinical testing. Allele origin: germline.
Comment: This sequence change replaces proline, which is neutral and non-polar, with threonine, which is neutral and polar, at codon 1622 of the FBN2 protein (p.Pro1622Thr). This variant is present in population databases (rs750116860, gnomAD 0.002%). This variant has not been reported in the literature in individuals affected with FBN2-related conditions. ClinVar contains an entry for this variant (Variation ID: 519855). Advanced modeling of protein sequence and biophysical properties (such as structural, functional, and spatial information, amino acid conservation, physicochemical variation, residue mobility, and thermodynamic stability) performed at Invitae indicates that this missense variant is expected to disrupt FBN2 protein function. In summary, the available evidence is currently insufficient to determine the role of this variant in disease. Therefore, it has been classified as a Variant of Uncertain Significance.

GeneDx
Classification: Uncertain significance. Last evaluated: 2020-10-20. Review status: criteria provided, single submitter. Criteria: GeneDx Variant Classification Process June 2021. Collection method: clinical testing. Allele origin: germline. Affected: yes.
Comment: Has not been previously published as pathogenic or benign to our knowledge; Not observed at a significant frequency in large population cohorts (Lek et al., 2016); In silico analysis supports that this missense variant has a deleterious effect on protein structure/function; Does not affect a cysteine residue within a calcium-binding EGF-like domain of the FBN2 gene; cysteine substitutions in the calcium-binding EGF-like domains represent the majority of pathogenic missense changes associated with FBN2-related disorders (Frederic et al., 2009); Reported in ClinVar but additional evidence is not available (ClinVar Variant ID#519855; Landrum et al., 2016)

Ambry Genetics
Classification: Uncertain significance for Familial thoracic aortic aneurysm and aortic dissection. Last evaluated: 2017-05-16. Review status: criteria provided, single submitter. Criteria: Ambry Variant Classification Scheme 2023. Collection method: clinical testing. Allele origin: germline.
Comment: The p.P1622T variant (also known as c.4864C>A), located in coding exon 37 of the FBN2 gene, results from a C to A substitution at nucleotide position 4864. The proline at codon 1622 is replaced by threonine, an amino acid with highly similar properties. This amino acid position is highly conserved in available vertebrate species. In addition, this alteration is predicted to be deleterious by in silico analysis. Since supporting evidence is limited at this time, the clinical significance of this alteration remains unclear.